The following is an entry in ClinVar:

NM_001283009.2(RTEL1):c.2233G>A (p.Val745Met)

Genes: RTEL1 (regulator of telomere elongation helicase 1; plus strand), RTEL1-TNFRSF6B (RTEL1-TNFRSF6B readthrough (NMD candidate); plus strand). Cytogenetic location: 20q13.33.
Variant type: single nucleotide variant.
Coding change: c.2233G>A on transcript NM_001283009.2 (MANE Select); coding-DNA position 2233, G replaced by A.
Protein change: p.Val745Met; replaces valine 745 with methionine.
Molecular consequence: missense variant. On other transcripts: non-coding transcript variant (1).
Genome position (GRCh38, 1-based): chr20:63,690,178, G>A. VCF-style: chr20-63690178-G-A. GRCh37 (hg19) VCF-style: chr20-62321531-G-A.
Other names: c.1564G>A, p.Val522Met (NM_001283010.1); c.2233G>A, p.Val745Met (NM_016434.4); c.2305G>A, p.Val769Met (NM_032957.5); short protein forms V745M, V769M, V522M.
Identifiers: ClinVar variation 65414 (VCV000065414.9), dbSNP rs398123049, ClinGen allele CA144781.
Genomic context (GRCh38, chr20:63,690,178, plus strand): 5'-CCCTCCTGGGTGCGTCCCCACGTCAGGGTGTATGACAACTTTGGCCATGTCATCCGAGAC[G>A]TGGCCCAGTTCTTCCGTGTTGCCGAGCGAACTGTGAGTTCCTGCCCAGGGAGGGGATGAG-3'
Protein context (NP_001269938.1, residues 735-755): YDNFGHVIRD[Val745Met]AQFFRVAERT

ClinVar aggregate classification (germline): Uncertain significance. Review status: criteria provided, multiple submitters, no conflicts (2 of 4 stars). 3 submissions from 3 submitters: Uncertain significance (2). 1 of the submissions does not count toward it. Last evaluated 2024-03-13.

Conditions:
Dyskeratosis congenita, autosomal recessive 5 (DKCB5). Identifiers: MedGen C3554656, MONDO:0014076, OMIM 615190.
Pulmonary fibrosis and/or bone marrow failure, Telomere-related, 3. Also called: PULMONARY FIBROSIS AND/OR BONE MARROW FAILURE SYNDROME, TELOMERE-RELATED, 3. Identifiers: Orphanet 2032, MedGen C4225346, MONDO:0014613, OMIM 616373.

Allele frequency attached by ClinVar (database versions not stated): gnomAD exomes below 0.00001.
gnomAD v4.1: 2 of 1,612,564 alleles (0.00012%); highest among the groups gnomAD compares: Non-Finnish European, 0.00017%; no homozygotes.

Submissions (3):

Labcorp Genetics (formerly Invitae), Labcorp
Classification: Uncertain significance for Dyskeratosis congenita, autosomal recessive 5; Pulmonary fibrosis and/or bone marrow failure, Telomere-related, 3. Last evaluated: 2024-03-13. Review status: criteria provided, single submitter. Criteria: Invitae Variant Classification Sherloc (09022015). Collection method: clinical testing. Allele origin: germline.
Comment: This sequence change replaces valine, which is neutral and non-polar, with methionine, which is neutral and non-polar, at codon 745 of the RTEL1 protein (p.Val745Met). This variant is not present in population databases (gnomAD no frequency). This missense change has been observed in individual(s) with Hoyeraal– Hreidarsson syndrome (PMID: 23591994). ClinVar contains an entry for this variant (Variation ID: 65414). An algorithm developed to predict the effect of missense changes on protein structure and function (PolyPhen-2) suggests that this variant is likely to be disruptive. In summary, the available evidence is currently insufficient to determine the role of this variant in disease. Therefore, it has been classified as a Variant of Uncertain Significance.

Fulgent Genetics
Classification: Uncertain significance for Dyskeratosis congenita, autosomal recessive 5; Pulmonary fibrosis and/or bone marrow failure, Telomere-related, 3. Last evaluated: 2021-08-13. Review status: criteria provided, single submitter. Criteria: ACMG Guidelines, 2015. Collection method: clinical testing. Allele origin: unknown.

OMIM
Classification: Pathogenic for DYSKERATOSIS CONGENITA, AUTOSOMAL RECESSIVE 5. Last evaluated: 2013-08-15. Review status: no assertion criteria provided. Collection method: literature only. Allele origin: germline. Not counted in ClinVar's aggregate classification.

Literature cited by the submitters: PubMed 23591994 (cited by Labcorp Genetics (formerly Invitae), Labcorp and OMIM).